The following is an entry in ClinVar:

ClinVar aggregate classification (germline): Uncertain significance (1 of 4 stars; one submission).

Submission:

Ambry Genetics
Classification: Uncertain significance. Last evaluated: 2024-09-08. Review status: criteria provided, single submitter. Criteria: Ambry Variant Classification Scheme 2023. Collection method: clinical testing. Allele origin: germline.
Comment: The p.G159R variant (also known as c.475G>A), located in coding exon 5 of the FAM175A gene, results from a G to A substitution at nucleotide position 475. The glycine at codon 159 is replaced by arginine, an amino acid with dissimilar properties. This amino acid position is conserved. In addition, this alteration is predicted to be tolerated by in silico analysis. Based on the available evidence, the clinical significance of this variant remains unclear.

NM_139076.3(ABRAXAS1):c.475G>A (p.Gly159Arg)

Gene: ABRAXAS1 (abraxas 1, BRCA1 A complex subunit; minus strand). Cytogenetic location: 4q21.23.
Variant type: single nucleotide variant.
Coding change: c.475G>A on transcript NM_139076.3 (MANE Select); coding-DNA position 475, G replaced by A.
Protein change: p.Gly159Arg; replaces glycine 159 with arginine.
Molecular consequence: missense variant.
Genome position (GRCh38, 1-based): chr4:83,470,204, C>T on the plus strand (G>A on the coding strand, the complement: ABRAXAS1 is on the minus strand). VCF-style: chr4-83470204-C-T. GRCh37 (hg19) VCF-style: chr4-84391357-C-T.
Other names: c.148G>A, p.Gly50Arg (NM_001345962.2); short protein forms G159R, G50R.
Identifiers: ClinVar variation 3447267 (VCV003447267.1).
Genomic context (GRCh38, chr4:83,470,204, plus strand): 5'-TAAGTATTAGATATATTTTTCTATTAGTTTAATACAGCCAGTGACTGGCCAACATTTACC[C>T]TTTTTGAGGTTTATATAAGGAATGTTCCAGTCGATGAGTAGAGCAGCTTTCTGTTATTAT-3'
Protein context (NP_620775.2, residues 149-169): LEHSLYKPQK[Gly159Arg]LFHRVPLVVA